The following is an entry in ClinVar:

ClinVar aggregate classification (germline): Uncertain significance. Review status: criteria provided, multiple submitters, no conflicts (2 of 4 stars). 2 submissions from 2 submitters: Uncertain significance (2). Last evaluated 2026-05-27.

Conditions:
BICD2-related disorder. Also called: BICD2-related condition.
Autosomal dominant childhood-onset proximal spinal muscular atrophy with contractures (SMALED2A). Also called: SPINAL MUSCULAR ATROPHY, LOWER EXTREMITY-PREDOMINANT, 2A, CHILDHOOD ONSET, AUTOSOMAL DOMINANT; Spinal muscular atrophy, lower extremity-predominant, 2A, autosomal dominant. Identifiers: Orphanet 363447, Orphanet 363454, MedGen C4747715, MONDO:0014121, OMIM 615290.

Allele frequency attached by ClinVar (database versions not stated): gnomAD 0.00001; ExAC 0.00002; ESP Exome Variant Server 0.00008; 1000 Genomes Project 30x 0.00016; 1000 Genomes Project 0.00020.
gnomAD v4.1: 23 of 1,613,204 alleles (0.0014%); highest among the groups gnomAD compares: East Asian, 0.0045%; no homozygotes.

Submissions (2):

PreventionGenetics, part of Exact Sciences
Classification: Uncertain significance for BICD2-related condition. Last evaluated: 2026-05-27. Review status: criteria provided, single submitter. Criteria: ACMG Guidelines, 2015. Collection method: clinical testing. Allele origin: germline.
Comment: The BICD2 c.479G>A variant is predicted to result in the amino acid substitution p.Arg160His. To our knowledge, this variant has not been reported in the literature. This variant is reported in 0.0065% of alleles in individuals of South Asian descent in gnomAD. At this time, the clinical significance of this variant is uncertain due to the absence of conclusive functional and genetic evidence.

Labcorp Genetics (formerly Invitae), Labcorp
Classification: Uncertain significance for Autosomal dominant childhood-onset proximal spinal muscular atrophy with contractures. Last evaluated: 2026-01-14. Review status: criteria provided, single submitter. Criteria: Invitae Variant Classification Sherloc (09022015). Collection method: clinical testing. Allele origin: germline.
Comment: This sequence change replaces arginine, which is basic and polar, with histidine, which is basic and polar, at codon 160 of the BICD2 protein (p.Arg160His). This variant is present in population databases (rs138339539, gnomAD 0.006%). This variant has not been reported in the literature in individuals affected with BICD2-related conditions. ClinVar contains an entry for this variant (Variation ID: 2043170). Invitae Evidence Modeling of protein sequence and biophysical properties (such as structural, functional, and spatial information, amino acid conservation, physicochemical variation, residue mobility, and thermodynamic stability) has been performed for this missense variant. However, the output from this modeling did not meet the statistical confidence thresholds required to predict the impact of this variant on BICD2 protein function. In summary, the available evidence is currently insufficient to determine the role of this variant in disease. Therefore, it has been classified as a Variant of Uncertain Significance.

NM_001003800.2(BICD2):c.479G>A (p.Arg160His)

Gene: BICD2 (BICD cargo adaptor 2; minus strand). Cytogenetic location: 9q22.31.
Variant type: single nucleotide variant.
Coding change: c.479G>A on transcript NM_001003800.2 (MANE Select); coding-DNA position 479, G replaced by A.
Protein change: p.Arg160His; replaces arginine 160 with histidine.
Molecular consequence: missense variant.
Genome position (GRCh38, 1-based): chr9:92,722,783, C>T on the plus strand (G>A on the coding strand, the complement: BICD2 is on the minus strand). VCF-style: chr9-92722783-C-T. GRCh37 (hg19) VCF-style: chr9-95485065-C-T.
Other names: c.479G>A (NM_001003800.1); c.479G>A, p.Arg160His (NM_015250.4); short protein forms R160H.
Identifiers: ClinVar variation 2043170 (VCV002043170.6), dbSNP rs138339539, ClinGen allele CA5126796.